The following is an entry in ClinVar:

ClinVar aggregate classification (germline): Pathogenic (1 of 4 stars; one submission).

Submission:

Labcorp Genetics (formerly Invitae), Labcorp
Classification: Pathogenic. Last evaluated: 2022-07-24. Review status: criteria provided, single submitter. Criteria: Invitae Variant Classification Sherloc (09022015). Collection method: clinical testing. Allele origin: germline.
Comment: For these reasons, this variant has been classified as Pathogenic. This variant has not been reported in the literature in individuals affected with DSG1-related conditions. This variant is not present in population databases (gnomAD no frequency). This sequence change creates a premature translational stop signal (p.Thr174Aspfs*7) in the DSG1 gene. It is expected to result in an absent or disrupted protein product. Loss-of-function variants in DSG1 are known to be pathogenic (PMID: 19018793, 23974871, 27534273).

Literature cited by the submitters: PubMed 19018793; PubMed 23974871; PubMed 27534273.

NM_001942.4(DSG1):c.520_527del (p.Thr174fs)

Gene: DSG1 (desmoglein 1; plus strand). Cytogenetic location: 18q12.1.
Variant type: Deletion.
Coding change: c.520_527del on transcript NM_001942.4 (MANE Select); coding-DNA positions 520 to 527, 8 bases deleted (ACACTGGT; older notation c.520_527delACACTGGT).
Protein change: p.Thr174fs; shifts the reading frame from threonine 174.
Molecular consequence: frameshift variant.
Genome position (GRCh38, 1-based): chr18:31,331,703-31,331,710, ACACTGGT deleted; deleting any 8 consecutive bases within chr18:31,331,702-31,331,710 gives the same sequence; the c. name uses the placement nearest the transcript's 3' end. VCF-style (leftmost placement, unchanged base first): chr18-31331701-ATACACTGG-A. GRCh37 (hg19) VCF-style: chr18-28911664-ATACACTGG-A.
Other names: short protein forms T174fs.
Identifiers: ClinVar variation 2019506 (VCV002019506.4), dbSNP rs2511045840, ClinGen allele CA2580095578.